The following is an entry in ClinVar:

ClinVar aggregate classification (germline): Conflicting classifications of pathogenicity. Review status: criteria provided, conflicting classifications (1 of 4 stars). 6 submissions from 6 submitters: Likely pathogenic (1); Uncertain significance (5). Last evaluated 2025-07-13.

Conditions:
Cardiovascular phenotype. Identifiers: MedGen CN230736.
Cardiomyopathy (CMYO). Also called: Cardiomyopathies. Identifiers: Orphanet 167848, MedGen C0878544, MONDO:0004994, HP:0001638. Inheritance: Various modes of inheritance.
Arrhythmogenic right ventricular dysplasia 5. Also called: Arrhythmogenic Right Ventricular Dysplasia/Cardiomyopathy 5; ARRHYTHMOGENIC RIGHT VENTRICULAR DYSPLASIA, FAMILIAL, 5. Identifiers: MedGen C1858379, MONDO:0011459, OMIM 604400.

Allele frequency attached by ClinVar (database versions not stated): gnomAD 0.00004 and 0.00003; gnomAD exomes 0.00001 and 0.00002; TOPMed 0.00002; ExAC 0.00003.
gnomAD v4.1: 18 of 1,613,988 alleles (0.0011%); highest among the groups gnomAD compares: African/African-American, 0.0027%; no homozygotes.

Submissions (6):

Labcorp Genetics (formerly Invitae), Labcorp
Classification: Uncertain significance for Arrhythmogenic right ventricular dysplasia 5. Last evaluated: 2025-07-13. Review status: criteria provided, single submitter. Criteria: Invitae Variant Classification Sherloc (09022015). Collection method: clinical testing. Allele origin: germline.
Comment: This sequence change creates a premature translational stop signal (p.Arg341*) in the TMEM43 gene. While this is not anticipated to result in nonsense mediated decay, it is expected to disrupt the last 60 amino acid(s) of the TMEM43 protein. This variant is present in population databases (rs778127887, gnomAD 0.005%). This variant has not been reported in the literature in individuals affected with TMEM43-related conditions. ClinVar contains an entry for this variant (Variation ID: 217494). In summary, the available evidence is currently insufficient to determine the role of this variant in disease. Therefore, it has been classified as a Variant of Uncertain Significance.

Color Diagnostics, LLC DBA Color Health
Classification: Uncertain significance for Cardiomyopathy. Last evaluated: 2025-06-12. Review status: criteria provided, single submitter. Criteria: ACMG Guidelines, 2015. Collection method: clinical testing. Allele origin: germline.
Comment: This variant changes 1 nucleotide in exon 12 of the TMEM43 gene, creating a premature translation stop signal in the last coding exon. This variant is expected to escape nonsense-mediated decay and be expressed as a truncated protein. To our knowledge, functional studies have not been performed for this variant. To our knowledge, this variant has not been reported in individuals affected with TMEM43-related disorders in the literature. This variant has been identified in 5/281958 chromosomes in the general population by the Genome Aggregation Database (gnomAD). The available evidence is insufficient to determine the role of this variant in disease conclusively. Therefore, this variant is classified as a Variant of Uncertain Significance.

GeneDx
Classification: Uncertain significance. Last evaluated: 2024-07-09. Review status: criteria provided, single submitter. Criteria: GeneDx Variant Classification Process June 2021. Collection method: clinical testing. Allele origin: germline. Affected: yes.
Comment: Nonsense variant predicted to result in protein truncation in a gene or region of a gene for which loss of function is not a well-established mechanism of disease; Not observed at significant frequency in large population cohorts (gnomAD); Has been reported as heterozygous in two participants in a large scale review of exome sequencing data of individuals submitted to UK Biobank; no patient specific information is specified as part of this report (PMID: 33087929); This variant is associated with the following publications: (PMID: 33087929, 33968641)

Ambry Genetics
Classification: Uncertain significance for Cardiovascular phenotype. Last evaluated: 2024-01-05. Review status: criteria provided, single submitter. Criteria: Ambry Variant Classification Scheme 2023. Collection method: clinical testing. Allele origin: germline.
Comment: The p.R341* variant (also known as c.1021C>T), located in coding exon 12 of the TMEM43 gene, results from a C to T substitution at nucleotide position 1021. This changes the amino acid from an arginine to a stop codon within coding exon 12. This alteration is expected to result in protein truncation. However, loss of function of TMEM43 has not been established as a mechanism of disease. Since supporting evidence is limited at this time, the clinical significance of this alteration remains unclear.

All of Us Research Program, National Institutes of Health
Classification: Uncertain significance for Arrhythmogenic right ventricular dysplasia 5. Last evaluated: 2023-08-15. Review status: criteria provided, single submitter. Criteria: ACMG Guidelines, 2015. Collection method: clinical testing. Allele origin: germline. Inheritance: Autosomal dominant inheritance. Observed: 3 variant alleles, 3 heterozygotes.
Comment: This variant changes 1 nucleotide in exon 12 of the TMEM43 gene, creating a premature translation stop signal in the last coding exon. This variant is expected to escape nonsense-mediated decay and be expressed as a truncation protein. To our knowledge, functional studies have not been performed for this variant. This variant has been reported in an individual underwent genetic testing for noncardiac reason and no documented incidence of cardiovascular disease (PMID: 33968641). This variant has been identified in 5/281958 chromosomes in the general population by the Genome Aggregation Database (gnomAD). The available evidence is insufficient to determine the role of this variant in disease conclusively. Therefore, this variant is classified as a Variant of Uncertain Significance.

This study involves interpretation of variants in research participants for the purpose of population health screening. Participant phenotype was not available at the time of variant classification. Additional details can be found in publication PMID: 35346344, PMCID: PMC8962531

Laboratory of Genetics and Molecular Cardiology, University of São Paulo
Classification: Likely pathogenic for Cardiomyopathy. Review status: criteria provided, single submitter. Criteria: LGCM Criteria August 2015. Collection method: clinical testing. Allele origin: germline. Inheritance: Autosomal dominant inheritance. Affected: yes. Observed: 1 variant allele. Study: Sarcomeric Human Cardiomyopathy Registry (ShaRe).

Literature cited by the submitters: PubMed 33968641 (cited by All of Us Research Program, National Institutes of Health).

NM_024334.3(TMEM43):c.1021C>T (p.Arg341Ter)

Gene: TMEM43 (transmembrane protein 43; plus strand). Cytogenetic location: 3p25.1.
Variant type: single nucleotide variant.
Coding change: c.1021C>T on transcript NM_024334.3 (MANE Select); coding-DNA position 1021, C replaced by T.
Protein change: p.Arg341Ter; replaces arginine 341 with a stop codon.
Molecular consequence: nonsense.
Genome position (GRCh38, 1-based): chr3:14,141,613, C>T. VCF-style: chr3-14141613-C-T. GRCh37 (hg19) VCF-style: chr3-14183113-C-T.
Other names: short protein forms R341*.
Identifiers: ClinVar variation 217494 (VCV000217494.18), dbSNP rs778127887, ClinGen allele CA050959.